The following is an entry in ClinVar:

GRCh38/hg38 1q21.1(chr1:145672101-146040040)x3

Genes: ANKRD34A (ankyrin repeat domain 34A; minus strand), ANKRD35 (ankyrin repeat domain 35; minus strand), ANKRD35-DT (ANKRD35 divergent transcript; plus strand), CD160 (CD160 molecule; plus strand), HJV (hemojuvelin BMP co-receptor; minus strand) and 47 more. Cytogenetic location: 1q21.1.
Variant type: copy number gain.
Change: copy number 3 (three copies instead of two) of chr1:145,672,101-146,040,040 (367.9 kb, GRCh38 coordinates, 1-based), cytogenetic band 1q21.1.
Identifiers: ClinVar variation 4852077 (VCV004852077.1).

ClinVar aggregate classification (germline): Uncertain significance (1 of 4 stars; one submission).

Submission:

Clinical Genomics Laboratory, Laboratory for Precision Diagnostics, University of Washington
Classification: Uncertain significance. Last evaluated: 2023-01-05. Review status: criteria provided, single submitter. Criteria: ACMG/ClinGen CNV Guidelines, 2019. Collection method: clinical testing. Allele origin: unknown. Affected: yes. Observed: 1 variant allele.
Comment: The duplication is approximately 368 kb in size and affects 15 protein-coding genes, including PEX11B and RBM8A. It corresponds to the recurrent proximal 1q21.1 duplication flanked by BP2 and BP3.

Literature cited by the submitters: PubMed 25217958; PubMed 21841781; PubMed 32655619; PubMed 22317977.